The following is an entry in ClinVar:

NM_016011.5(MECR):c.773G>T (p.Arg258Leu)

Gene: MECR (mitochondrial trans-2-enoyl-CoA reductase; minus strand). Cytogenetic location: 1p35.3.
Variant type: single nucleotide variant.
Coding change: c.773G>T on transcript NM_016011.5 (MANE Select); coding-DNA position 773, G replaced by T.
Protein change: p.Arg258Leu; replaces arginine 258 with leucine.
Molecular consequence: missense variant. On other transcripts: non-coding transcript variant (4).
Genome position (GRCh38, 1-based): chr1:29,200,573, C>A on the plus strand (G>T on the coding strand, the complement: MECR is on the minus strand). VCF-style: chr1-29200573-C-A. GRCh37 (hg19) VCF-style: chr1-29527085-C-A.
Other names: p.Arg258Leu; c.545G>T, p.Arg182Leu (NM_001024732.4, NM_001349711.2, NM_001349712.2 and 2 more transcripts); c.878G>T, p.Arg293Leu (NM_001349715.2); c.857G>T, p.Arg286Leu (NM_001349716.2); c.623G>T, p.Arg208Leu (NM_001349717.2); short protein forms R293L, R258L, R286L, R182L, R208L.
Identifiers: ClinVar variation 720895 (VCV000720895.31), dbSNP rs34835902, ClinGen allele CA725664.

ClinVar aggregate classification (germline): Benign/Likely benign. Review status: criteria provided, multiple submitters, no conflicts (2 of 4 stars). 5 submissions from 5 submitters: Benign (1); Likely benign (3). 1 of the submissions does not count toward it. Last evaluated 2026-01-28.

Conditions:
MECR-related disorder. Also called: MECR-related condition.

Allele frequency attached by ClinVar (database versions not stated): 1000 Genomes Project 0.00359; 1000 Genomes Project 30x 0.00375; gnomAD 0.00385 and 0.00418; TOPMed 0.00405; ESP Exome Variant Server 0.00484.
gnomAD v4.1: 1,320 of 1,613,784 alleles (0.082%); highest among the groups gnomAD compares: African/African-American, 1.2%; 5 homozygotes.

Submissions (5):

Labcorp Genetics (formerly Invitae), Labcorp
Classification: Benign. Last evaluated: 2026-01-28. Review status: criteria provided, single submitter. Criteria: Invitae Variant Classification Sherloc (09022015). Collection method: clinical testing. Allele origin: germline.

Mayo Clinic Laboratories, Mayo Clinic
Classification: Likely benign. Last evaluated: 2025-11-20. Review status: criteria provided, single submitter. Criteria: ACMG Guidelines, 2015. Collection method: clinical testing. Allele origin: germline. Observed: 3 variant alleles.
Comment: BS1, BP4_moderate

CeGaT Center for Human Genetics Tuebingen
Classification: Likely benign. Last evaluated: 2025-08-01. Review status: criteria provided, single submitter. Criteria: CeGaT Center For Human Genetics Tuebingen Variant Classification Criteria Version 2. Collection method: clinical testing. Allele origin: germline. Affected: yes. Observed: 2 variant alleles.
Comment: MECR: PM5, BP4, BS1

Blueprint Genetics
Classification: Likely benign. Last evaluated: 2024-10-22. Review status: criteria provided, single submitter. Criteria: ACMG Guidelines, 2015. Collection method: clinical testing. Allele origin: germline.

PreventionGenetics, part of Exact Sciences
Classification: Benign for MECR-related condition. Last evaluated: 2019-02-21. Review status: no assertion criteria provided. Collection method: clinical testing. Allele origin: germline. Not counted in ClinVar's aggregate classification.
Comment: This variant is classified as benign based on ACMG/AMP sequence variant interpretation guidelines (Richards et al. 2015 PMID: 25741868, with internal and published modifications).